The following is an entry in ClinVar:

NM_000535.7(PMS2):c.538-223A>G

Gene: PMS2 (PMS1 homolog 2, mismatch repair system component; minus strand). Cytogenetic location: 7p22.1.
Variant type: single nucleotide variant.
Coding change: c.538-223A>G on transcript NM_000535.7 (MANE Select); 223 bases into the intron before coding-DNA position 538, A replaced by G.
Molecular consequence: intron variant.
Genome position (GRCh38, 1-based): chr7:5,999,498, T>C on the plus strand (A>G on the coding strand, the complement: PMS2 is on the minus strand). VCF-style: chr7-5999498-T-C. GRCh37 (hg19) VCF-style: chr7-6039129-T-C.
Other names: c.220-223A>G (NM_001322008.2, NM_001322007.2); c.133-223A>G (NM_001322010.2, NM_001322004.2, NM_001322003.2 and 2 more transcripts); c.133-2075A>G (NM_001322013.2); c.-347-272A>G (NM_001322012.2, NM_001322011.2); c.229-223A>G (NM_001322015.2); c.538-223A>G (NM_001322006.2, NM_001322014.2).
Identifiers: ClinVar variation 91356 (VCV000091356.3), dbSNP rs2345060, ClinGen allele CA012271.

ClinVar aggregate classification (germline): Benign (3 of 4 stars; one submission).

Conditions:
Lynch syndrome. Identifiers: Orphanet 144, MedGen C4552100, MONDO:0005835. Disease mechanism: loss of function.

Allele frequency attached by ClinVar (database versions not stated): 1000 Genomes Project 0.16693; 1000 Genomes Project 30x 0.16958; TOPMed 0.20788; gnomAD 0.21130 and 0.21434.
gnomAD v4.1: 32,111 of 151,982 alleles (21%); highest among the groups gnomAD compares: Middle Eastern, 27%; 3,492 homozygotes.

Submission:

International Society for Gastrointestinal Hereditary Tumours (InSiGHT)
Classification: Benign for Lynch Syndrome. Last evaluated: 2013-09-05. Review status: reviewed by expert panel. Criteria: Guidelines v1.9. Collection method: research. Allele origin: germline.
Comment: MAF >1%

Classified with v1.9 guidelines
ClinVar note: Converted during submission from no known pathogenicity to Benign.